The following is an entry in ClinVar:

NM_003072.5(SMARCA4):c.730C>T (p.Pro244Ser)

Gene: SMARCA4 (SWI/SNF related BAF chromatin remodeling complex subunit ATPase 4; plus strand). Cytogenetic location: 19p13.2.
Variant type: single nucleotide variant.
Coding change: c.730C>T on transcript NM_003072.5 (MANE Select); coding-DNA position 730, C replaced by T.
Protein change: p.Pro244Ser; replaces proline 244 with serine.
Molecular consequence: missense variant. On other transcripts: non-coding transcript variant (1).
Genome position (GRCh38, 1-based): chr19:10,986,563, C>T. VCF-style: chr19-10986563-C-T. GRCh37 (hg19) VCF-style: chr19-11097239-C-T.
Other names: c.730C>T (NM_001128849.1); c.730C>T, p.Pro244Ser (NM_001128844.3, NM_001128845.2, NM_001128846.2 and 5 more transcripts); short protein forms P244S.
Identifiers: ClinVar variation 1442647 (VCV001442647.7), dbSNP rs2145785383, ClinGen allele CA404057212.

ClinVar aggregate classification (germline): Uncertain significance. Review status: criteria provided, multiple submitters, no conflicts (2 of 4 stars). 3 submissions from 3 submitters: Uncertain significance (3). Last evaluated 2025-09-14.

Conditions:
Rhabdoid tumor predisposition syndrome 2 (RTPS2). Identifiers: Orphanet 231108, Orphanet 69077, MedGen C2750074, MONDO:0013224, OMIM 613325.
Hereditary cancer-predisposing syndrome. Also called: Tumor predisposition; Hereditary Cancer Syndrome; Hereditary neoplastic syndrome; Neoplastic Syndromes, Hereditary. Identifiers: Orphanet 140162, MedGen C0027672, MeSH D009386, MONDO:0015356.

Allele frequency attached by ClinVar (database versions not stated): gnomAD exomes below 0.00001.
gnomAD v4.1: 1 of 1,537,716 alleles (0.000065%); highest among the groups gnomAD compares: Non-Finnish European, 0.000087%; no homozygotes.

Submissions (3):

Ambry Genetics
Classification: Uncertain significance for Hereditary cancer-predisposing syndrome. Last evaluated: 2025-09-14. Review status: criteria provided, single submitter. Criteria: Ambry Variant Classification Scheme 2023. Collection method: clinical testing. Allele origin: germline.
Comment: The p.P244S variant (also known as c.730C>T), located in coding exon 3 of the SMARCA4 gene, results from a C to T substitution at nucleotide position 730. The proline at codon 244 is replaced by serine, an amino acid with similar properties. This amino acid position is conserved. In addition, the in silico prediction for this alteration is inconclusive. Based on the available evidence, the clinical significance of this variant remains unclear.

GeneDx
Classification: Uncertain significance. Last evaluated: 2022-12-16. Review status: criteria provided, single submitter. Criteria: GeneDx Variant Classification Process June 2021. Collection method: clinical testing. Allele origin: germline. Affected: yes.
Comment: Not observed at significant frequency in large population cohorts (gnomAD); In silico analysis supports that this missense variant does not alter protein structure/function; Has not been previously published as pathogenic or benign to our knowledge

Labcorp Genetics (formerly Invitae), Labcorp
Classification: Uncertain significance for Rhabdoid tumor predisposition syndrome 2. Last evaluated: 2021-10-16. Review status: criteria provided, single submitter. Criteria: Invitae Variant Classification Sherloc (09022015). Collection method: clinical testing. Allele origin: germline.
Comment: This sequence change replaces proline with serine at codon 244 of the SMARCA4 protein (p.Pro244Ser). The proline residue is highly conserved and there is a moderate physicochemical difference between proline and serine. In summary, the available evidence is currently insufficient to determine the role of this variant in disease. Therefore, it has been classified as a Variant of Uncertain Significance. Algorithms developed to predict the effect of missense changes on protein structure and function are either unavailable or do not agree on the potential impact of this missense change (SIFT: "Deleterious"; PolyPhen-2: "Probably Damaging"; Align-GVGD: "Class C15"). This variant has not been reported in the literature in individuals affected with SMARCA4-related conditions. The frequency data for this variant in the population databases is considered unreliable, as metrics indicate insufficient coverage at this position in the ExAC database.